The following is an entry in ClinVar:

ClinVar aggregate classification (germline): Uncertain significance (1 of 4 stars; one submission).

Conditions:
Hereditary cancer-predisposing syndrome. Also called: Tumor predisposition; Hereditary neoplastic syndrome; Hereditary Cancer Syndrome; Neoplastic Syndromes, Hereditary. Identifiers: Orphanet 140162, MedGen C0027672, MeSH D009386, MONDO:0015356.

Allele frequency attached by ClinVar (database versions not stated): gnomAD exomes below 0.00001.
gnomAD v4.1: 2 of 1,613,674 alleles (0.00012%); highest among the groups gnomAD compares: Non-Finnish European, 0.00017%; no homozygotes.

Submission:

Ambry Genetics
Classification: Uncertain significance for Hereditary cancer-predisposing syndrome. Last evaluated: 2022-12-23. Review status: criteria provided, single submitter. Criteria: Ambry Variant Classification Scheme 2023. Collection method: clinical testing. Allele origin: germline.
Comment: The p.R724S variant (also known as c.2172G>T), located in coding exon 14 of the NBN gene, results from a G to T substitution at nucleotide position 2172. The arginine at codon 724 is replaced by serine, an amino acid with dissimilar properties. This amino acid position is conserved. In addition, this alteration is predicted to be tolerated by in silico analysis. Since supporting evidence is limited at this time, the clinical significance of this alteration remains unclear.

NM_002485.5(NBN):c.2172G>T (p.Arg724Ser)

Gene: NBN (nibrin; minus strand). Cytogenetic location: 8q21.3.
Variant type: single nucleotide variant.
Coding change: c.2172G>T on transcript NM_002485.5 (MANE Select); coding-DNA position 2172, G replaced by T.
Protein change: p.Arg724Ser; replaces arginine 724 with serine.
Molecular consequence: missense variant.
Genome position (GRCh38, 1-based): chr8:89,943,265, C>A on the plus strand (G>T on the coding strand, the complement: NBN is on the minus strand). VCF-style: chr8-89943265-C-A. GRCh37 (hg19) VCF-style: chr8-90955493-C-A.
Other names: c.1926G>T, p.Arg642Ser (NM_001024688.3); short protein forms R642S, R724S.
Identifiers: ClinVar variation 1171877 (VCV001171877.5), dbSNP rs1057523944, ClinGen allele CA371675311.